The following is an entry in ClinVar:

ClinVar aggregate classification (germline): Pathogenic (0 of 4 stars; one submission).

Conditions:
Congenital heart disease (CHD). Identifiers: MedGen C0152021, MONDO:0005453. Disease mechanism: unknown.

Submission:

Cytogenetics- Mohapatra Lab, Banaras Hindu University
Classification: Pathogenic for Congenital heart disease. Last evaluated: 2013-05-15. Review status: no assertion criteria provided. Collection method: case-control. Allele origin: unknown, de novo. Affected: yes. Observed: 7 variant alleles.
Comment: 5 Individuals diagnosed with Tetralogy of Fallot, 1 Individual diagnosed with Atrial septal defects, 1 Individual diagnosed with both Atrial Septal defect and pulmonary stenosis.

NM_001308093.3(GATA4):c.23C>A (p.Ala8Asp)

Gene: GATA4 (GATA binding protein 4). Cytogenetic location: 8p23.1.
Variant type: single nucleotide variant.
Coding change: c.23C>A on transcript NM_001308093.3 (MANE Select); coding-DNA position 23, C replaced by A.
Protein change: p.Ala8Asp; replaces alanine 8 with aspartic acid.
Molecular consequence: missense variant. On other transcripts: intron variant (3).
Genome position (GRCh38, 1-based): chr8:11,708,335, C>A. VCF-style: chr8-11708335-C-A. GRCh37 (hg19) VCF-style: chr8-11565844-C-A.
Other names: c.23C>A, p.Ala8Asp (NM_002052.5); c.-6+7557C>A (NM_001308094.2); c.-3+321C>A (NM_001374274.1); c.-3+4031C>A (NM_001374273.1); short protein forms A8D.
Identifiers: ClinVar variation 219226 (VCV000219226.2), dbSNP rs864321698, ClinGen allele CA347945.